The following is an entry in ClinVar:

NM_000093.5(COL5A1):c.4289C>G (p.Ala1430Gly)

Gene: COL5A1 (collagen type V alpha 1 chain; plus strand). Cytogenetic location: 9q34.3.
Variant type: single nucleotide variant.
Coding change: c.4289C>G on transcript NM_000093.5 (MANE Select); coding-DNA position 4289, C replaced by G.
Protein change: p.Ala1430Gly; replaces alanine 1430 with glycine.
Molecular consequence: missense variant.
Genome position (GRCh38, 1-based): chr9:134,818,714, C>G. VCF-style: chr9-134818714-C-G. GRCh37 (hg19) VCF-style: chr9-137710560-C-G.
Other names: c.4289C>G, p.Ala1430Gly (NM_001278074.1); short protein forms A1430G.
Identifiers: ClinVar variation 848381 (VCV000848381.15), dbSNP rs765920886, ClinGen allele CA5320231.
Genomic context (GRCh38, chr9:134,818,714, plus strand): 5'-AGGGAGAAGCCGGCTTGGAAGGCCCTCCTGGGAAGACTGGCCCCATCGGCCCCCAGGGGG[C>G]CCCTGGGAAGCCCGGACCGGATGGCCTTCGAGGGATCCCTGGCCCTGTGGTGAGTAGGCT-3'
Protein context (NP_000084.3, residues 1420-1440): GKTGPIGPQG[Ala1430Gly]PGKPGPDGLR

ClinVar aggregate classification (germline): Conflicting classifications of pathogenicity. Review status: criteria provided, conflicting classifications (1 of 4 stars). 3 submissions from 3 submitters: Uncertain significance (2); Benign (1). Last evaluated 2026-08-04.

Conditions:
Familial thoracic aortic aneurysm and aortic dissection (TAAD). Also called: Thoracic aortic aneurysms and dissections. Identifiers: Orphanet 91387, MedGen C4707243, MONDO:0019625.
Ehlers-Danlos syndrome, classic type, 1 (EDSCL1). Also called: EHLERS-DANLOS SYNDROME, GRAVIS TYPE; EHLERS-DANLOS SYNDROME, SEVERE CLASSIC TYPE; EDS I; Ehlers-Danlos syndrome, type 1; Ehlers-Danlos Syndrome, Classic Type, COL5A1-Related. Identifiers: MedGen C0268335, MONDO:0019567, OMIM 130000.

Allele frequency attached by ClinVar (database versions not stated): TOPMed 0.00001; ExAC 0.00001; gnomAD 0.00001.
gnomAD v4.1: 4 of 1,610,796 alleles (0.00025%); highest among the groups gnomAD compares: Non-Finnish European, 0.00034%; no homozygotes.

Submissions (3):

Ambry Genetics
Classification: Uncertain significance for Familial thoracic aortic aneurysm and aortic dissection. Last evaluated: 2026-08-04. Review status: criteria provided, single submitter. Criteria: Ambry Variant Classification Scheme 2023. Collection method: clinical testing. Allele origin: germline.

Labcorp Genetics (formerly Invitae), Labcorp
Classification: Benign for Ehlers-Danlos syndrome, classic type, 1. Last evaluated: 2025-07-20. Review status: criteria provided, single submitter. Criteria: Invitae Variant Classification Sherloc (09022015). Collection method: clinical testing. Allele origin: germline.

GeneDx
Classification: Uncertain significance. Last evaluated: 2021-06-02. Review status: criteria provided, single submitter. Criteria: GeneDx Variant Classification Process June 2021. Collection method: clinical testing. Allele origin: germline. Affected: yes.
Comment: Has not been previously published as pathogenic or benign to our knowledge; Not observed at significant frequency in large population cohorts (Lek et al., 2016); In silico analysis supports that this missense variant does not alter protein structure/function; Occurs in the triple helical domain at the X position in the canonical Gly-X-Y repeat; although this variant may have an effect on normal protein folding and function, missense substitution at the X position is not a common mechanism of disease (Symoens et al., 2012; Stenson et al., 2014); Reported in ClinVar as a variant of uncertain significance (ClinVar Variant ID# 848381; Landrum et al., 2016); This variant is associated with the following publications: (PMID: 26582918, 24077912, 22696272, 27535533)